The following is an entry in ClinVar:

NM_001365276.2(TNXB):c.6856G>A (p.Glu2286Lys)

Gene: TNXB (tenascin XB; minus strand). Cytogenetic location: 6p21.33.
Variant type: single nucleotide variant.
Coding change: c.6856G>A on transcript NM_001365276.2 (MANE Select); coding-DNA position 6856, G replaced by A.
Protein change: p.Glu2286Lys; replaces glutamic acid 2286 with lysine.
Molecular consequence: missense variant.
Genome position (GRCh38, 1-based): chr6:32,062,469, C>T on the plus strand (G>A on the coding strand, the complement: TNXB is on the minus strand). VCF-style: chr6-32062469-C-T. GRCh37 (hg19) VCF-style: chr6-32030246-C-T.
Other names: c.7597G>A, p.Glu2533Lys (NM_001428335.1); c.6856G>A, p.Glu2286Lys (NM_019105.8); short protein forms E2533K, E2286K.
Identifiers: ClinVar variation 3459803 (VCV003459803.1).

ClinVar aggregate classification (germline): Uncertain significance (1 of 4 stars; one submission).

Conditions:
Cardiovascular phenotype. Identifiers: MedGen CN230736.

Submission:

Ambry Genetics
Classification: Uncertain significance for Cardiovascular phenotype. Last evaluated: 2024-09-24. Review status: criteria provided, single submitter. Criteria: Ambry Variant Classification Scheme 2023. Collection method: clinical testing. Allele origin: germline.
Comment: The p.E2286K variant (also known as c.6856G>A), located in coding exon 19 of the TNXB gene, results from a G to A substitution at nucleotide position 6856. The glutamic acid at codon 2286 is replaced by lysine, an amino acid with similar properties. This amino acid position is conserved. In addition, this alteration is predicted to be tolerated by in silico analysis. Based on the available evidence, the clinical significance of this variant remains unclear.